The following is an entry in ClinVar:

NM_000548.5(TSC2):c.5073_5074delinsTC (p.Met1691_Glu1692delinsIleGln)

Gene: TSC2 (TSC complex subunit 2; plus strand). Cytogenetic location: 16p13.3.
Variant type: Indel.
Coding change: c.5073_5074delinsTC on transcript NM_000548.5 (MANE Select); coding-DNA positions 5073 to 5074, GG replaced by TC.
Protein change: p.Met1691_Glu1692delinsIleGln.
Molecular consequence: missense variant.
Genome position (GRCh38, 1-based): chr16:2,088,052-2,088,053, GG replaced by TC. VCF-style: chr16-2088052-GG-TC. GRCh37 (hg19) VCF-style: chr16-2138053-GG-TC.
Other names: c.4872_4873delinsTC, p.Met1624_Glu1625delinsIleGln (NM_001077183.3); c.5004_5005delinsTC, p.Met1668_Glu1669delinsIleGln (NM_001114382.3); c.4764_4765delinsTC, p.Met1588_Glu1589delinsIleGln (NM_001318827.2); c.4728_4729delinsTC, p.Met1576_Glu1577delinsIleGln (NM_001318829.2); c.4341_4342delinsTC, p.Met1447_Glu1448delinsIleGln (NM_001318831.2); c.4905_4906delinsTC, p.Met1635_Glu1636delinsIleGln (NM_001318832.2); c.4875_4876delinsTC, p.Met1625_Glu1626delinsIleGln (NM_001363528.2); c.4941_4942delinsTC, p.Met1647_Glu1648delinsIleGln (NM_001370404.1); and 1 more.
Identifiers: ClinVar variation 1485935 (VCV001485935.6), dbSNP rs2151619691, ClinGen allele CA2573151969.

ClinVar aggregate classification (germline): Uncertain significance (1 of 4 stars; one submission).

Conditions:
Tuberous sclerosis 2 (TSC2). Identifiers: Orphanet 805, MedGen C1860707, MONDO:0013199, OMIM 613254.

Submission:

Labcorp Genetics (formerly Invitae), Labcorp
Classification: Uncertain significance for Tuberous sclerosis 2. Last evaluated: 2023-02-27. Review status: criteria provided, single submitter. Criteria: Invitae Variant Classification Sherloc (09022015). Collection method: clinical testing. Allele origin: germline.
Comment: Experimental studies and prediction algorithms are not available or were not evaluated, and the functional significance of this variant is currently unknown. This variant, c.5073_5074delinsTC, is a complex sequence change that results in the deletion of 2 and insertion of 2 amino acid(s) in the TSC2 protein (p.Met1691_Glu1692delinsIleGln). Information on the frequency of this variant in the gnomAD database is not available, as this variant may be reported differently in the database. This variant has not been reported in the literature in individuals affected with TSC2-related conditions. ClinVar contains an entry for this variant (Variation ID: 1485935). In summary, the available evidence is currently insufficient to determine the role of this variant in disease. Therefore, it has been classified as a Variant of Uncertain Significance.